The following is an entry in ClinVar:

ClinVar aggregate classification (germline): Uncertain significance (1 of 4 stars; one submission).

gnomAD v4.1: 14 of 1,613,760 alleles (0.00087%); highest among the groups gnomAD compares: Non-Finnish European, 0.001%; no homozygotes.

Submission:

Ambry Genetics
Classification: Uncertain significance. Last evaluated: 2024-05-11. Review status: criteria provided, single submitter. Criteria: Ambry Variant Classification Scheme 2023. Collection method: clinical testing. Allele origin: germline.
Comment: The p.N2151I variant (also known as c.6452A>T), located in coding exon 21 of the POLQ gene, results from an A to T substitution at nucleotide position 6452. The asparagine at codon 2151 is replaced by isoleucine, an amino acid with dissimilar properties. This amino acid position is conserved. In addition, this alteration is predicted to be tolerated by in silico analysis. Since supporting evidence is limited at this time, the clinical significance of this alteration remains unclear.

NM_199420.4(POLQ):c.6452A>T (p.Asn2151Ile)

Gene: POLQ (DNA polymerase theta; minus strand). Cytogenetic location: 3q13.33.
Variant type: single nucleotide variant.
Coding change: c.6452A>T on transcript NM_199420.4 (MANE Select); coding-DNA position 6452, A replaced by T.
Protein change: p.Asn2151Ile; replaces asparagine 2151 with isoleucine.
Molecular consequence: missense variant.
Genome position (GRCh38, 1-based): chr3:121,473,441, T>A on the plus strand (A>T on the coding strand, the complement: POLQ is on the minus strand). VCF-style: chr3-121473441-T-A. GRCh37 (hg19) VCF-style: chr3-121192288-T-A.
Other names: short protein forms N2151I.
Identifiers: ClinVar variation 1753610 (VCV001753610.3), dbSNP rs1242213435, ClinGen allele CA354086064.